The following is an entry in ClinVar:

ClinVar aggregate classification (germline): Likely pathogenic. Review status: criteria provided, multiple submitters, no conflicts (2 of 4 stars). 2 submissions from 2 submitters: Likely pathogenic (2). Last evaluated 2024-07-22.

Conditions:
Familial adenomatous polyposis 2. Also called: COLORECTAL ADENOMATOUS POLYPOSIS, AUTOSOMAL RECESSIVE; ADENOMAS, MULTIPLE COLORECTAL, AUTOSOMAL RECESSIVE; MUTYH-related attenuated familial adenomatous polyposis; MUTYH-associated polyposis; MYH-associated polyposis; MUTYH Polyposis. Identifiers: Orphanet 220460, Orphanet 247798, MedGen C3272841, MONDO:0012041, OMIM 608456.

gnomAD v4.1: 1 of 1,614,066 alleles (0.000062%); highest among the groups gnomAD compares: Admixed American, 0.0017%; no homozygotes.

Submissions (2):

Labcorp Genetics (formerly Invitae), Labcorp
Classification: Likely pathogenic for Familial adenomatous polyposis 2. Last evaluated: 2024-07-22. Review status: criteria provided, single submitter. Criteria: Invitae Variant Classification Sherloc (09022015). Collection method: clinical testing. Allele origin: germline.
Comment: This sequence change affects an acceptor splice site in intron 8 of the MUTYH gene. It is expected to disrupt RNA splicing. Variants that disrupt the donor or acceptor splice site typically lead to a loss of protein function (PMID: 16199547), and loss-of-function variants in MUTYH are known to be pathogenic (PMID: 18534194, 20663686). This variant is present in population databases (no rsID available, gnomAD 0.003%). This variant has not been reported in the literature in individuals affected with MUTYH-related conditions. Studies have shown that disruption of this splice site is associated with inconclusive levels of altered splicing (Invitae). In summary, the currently available evidence indicates that the variant is pathogenic, but additional data are needed to prove that conclusively. Therefore, this variant has been classified as Likely Pathogenic.

Myriad Genetics, Inc.
Classification: Likely pathogenic for Familial adenomatous polyposis 2. Last evaluated: 2024-06-17. Review status: criteria provided, single submitter. Criteria: Myriad Autosomal Dominant, Autosomal Recessive and X-Linked Classification Criteria (2023). Collection method: clinical testing. Allele origin: unknown.
Comment: This variant is considered likely pathogenic. This variant occurs within a consensus splice junction and is predicted to result in abnormal mRNA splicing of either an out-of-frame exon or an in-frame exon necessary for protein stability and/or normal function.

Literature cited by the submitters: PubMed 16199547 (cited by Labcorp Genetics (formerly Invitae), Labcorp); PubMed 18534194 (cited by Labcorp Genetics (formerly Invitae), Labcorp); PubMed 20663686 (cited by Labcorp Genetics (formerly Invitae), Labcorp).

NM_001048174.2(MUTYH):c.607-2A>C

Gene: MUTYH (mutY DNA glycosylase; minus strand). Cytogenetic location: 1p34.1.
Variant type: single nucleotide variant.
Coding change: c.607-2A>C on transcript NM_001048174.2 (MANE Select); the canonical splice acceptor site of the intron before coding-DNA position 607, A replaced by C.
Molecular consequence: splice acceptor variant.
Genome position (GRCh38, 1-based): chr1:45,332,490, T>G on the plus strand (A>C on the coding strand, the complement: MUTYH is on the minus strand). VCF-style: chr1-45332490-T-G. GRCh37 (hg19) VCF-style: chr1-45798162-T-G.
Other names: c.607-2A>C (NM_001407072.1, NM_001407073.1, NM_001048171.2 and 6 more transcripts); c.262-2A>C (NM_001350651.2, NM_001350650.2, NM_001407082.1); c.331-2A>C (NM_001293192.2, NM_001293196.2, NM_001407091.1); c.652-2A>C (NM_001293190.2); c.640-2A>C (NM_001407069.1, NM_001407077.1, NM_001293191.2); c.682-2A>C (NM_012222.3); c.691-2A>C (NM_001128425.2); c.610-2A>C (NM_001407071.1, NM_001048172.2, NM_001407078.1 and 1 more transcripts); and 5 more.
Identifiers: ClinVar variation 2842908 (VCV002842908.4), dbSNP rs1361763237, ClinGen allele CA340135250.